The following is an entry in ClinVar:

ClinVar aggregate classification (germline): Likely pathogenic (1 of 4 stars; one submission).

Conditions:
Short stature, facial dysmorphism, and skeletal anomalies with or without cardiac anomalies 2. Identifiers: MedGen C5543057, MONDO:0030953, OMIM 619184.

Submission:

First Genomix Gene Laboratory, Genetic Diagnostics Department
Classification: Likely pathogenic for Short stature, facial dysmorphism, and skeletal anomalies with or without cardiac anomalies 2. Last evaluated: 2025-01-13. Review status: criteria provided, single submitter. Criteria: ACMG Guidelines, 2015. Collection method: clinical testing. Allele origin: germline. Inheritance: Autosomal recessive inheritance. Affected: no. Observed: 1 variant allele.

NM_152753.4(SCUBE3):c.1981C>T (p.Gln661Ter)

Genes: SCUBE3 (signal peptide, CUB domain and EGF like domain containing 3; plus strand), LOC126859661 (CDK7 strongly-dependent group 2 enhancer GRCh37_chr6:35211069-35212268; plus strand). Cytogenetic location: 6p21.31.
Variant type: single nucleotide variant.
Coding change: c.1981C>T on transcript NM_152753.4 (MANE Select); coding-DNA position 1981, C replaced by T.
Protein change: p.Gln661Ter; replaces glutamine 661 with a stop codon.
Molecular consequence: nonsense.
Genome position (GRCh38, 1-based): chr6:35,243,665, C>T. VCF-style: chr6-35243665-C-T. GRCh37 (hg19) VCF-style: chr6-35211442-C-T.
Other names: c.1978C>T, p.Gln660Ter (NM_001303136.2); short protein forms Q660*, Q661*.
Identifiers: ClinVar variation 4845673 (VCV004845673.1).